The following is an entry in ClinVar:

NM_000057.4(BLM):c.2809C>T (p.Gln937Ter)

Gene: BLM (BLM RecQ like helicase; plus strand). Cytogenetic location: 15q26.1.
Variant type: single nucleotide variant.
Coding change: c.2809C>T on transcript NM_000057.4 (MANE Select); coding-DNA position 2809, C replaced by T.
Protein change: p.Gln937Ter; replaces glutamine 937 with a stop codon.
Molecular consequence: nonsense.
Genome position (GRCh38, 1-based): chr15:90,785,067, C>T. VCF-style: chr15-90785067-C-T. GRCh37 (hg19) VCF-style: chr15-91328297-C-T.
Other names: c.2809C>T, p.Gln937Ter (NM_001287246.2, NM_001287247.2); c.1684C>T, p.Gln562Ter (NM_001287248.2); short protein forms Q562*, Q937*.
Identifiers: ClinVar variation 694003 (VCV000694003.5), dbSNP rs1596252279, ClinGen allele CA393846169.

ClinVar aggregate classification (germline): Pathogenic. Review status: criteria provided, multiple submitters, no conflicts (2 of 4 stars). 3 submissions from 3 submitters: Pathogenic (3). Last evaluated 2024-10-23.

Conditions:
Bloom syndrome (BLM). Also called: Bloom-Torre-Machacek syndrome. Identifiers: Orphanet 125, MedGen C0005859, MONDO:0008876, OMIM 210900.

Submissions (3):

Labcorp Genetics (formerly Invitae), Labcorp
Classification: Pathogenic for Bloom syndrome. Last evaluated: 2024-10-23. Review status: criteria provided, single submitter. Criteria: Invitae Variant Classification Sherloc (09022015). Collection method: clinical testing. Allele origin: germline.
Comment: This sequence change creates a premature translational stop signal (p.Gln937*) in the BLM gene. It is expected to result in an absent or disrupted protein product. Loss-of-function variants in BLM are known to be pathogenic (PMID: 17407155). This variant is not present in population databases (gnomAD no frequency). This premature translational stop signal has been observed in individual(s) with clinical features of Bloom syndrome (PMID: 31696992). ClinVar contains an entry for this variant (Variation ID: 694003). For these reasons, this variant has been classified as Pathogenic.

Fulgent Genetics
Classification: Pathogenic for Bloom syndrome. Last evaluated: 2024-01-30. Review status: criteria provided, single submitter. Criteria: ACMG Guidelines, 2015. Collection method: clinical testing. Allele origin: germline.

Child Neurology Department, Hôpital Universitaire de Bruxelles
Classification: Pathogenic for Bloom syndrome. Review status: criteria provided, single submitter. Criteria: ACMG Guidelines, 2015. Collection method: clinical testing. Allele origin: maternal. Affected: yes.

Literature cited by the submitters: PubMed 17407155 (cited by Labcorp Genetics (formerly Invitae), Labcorp); PubMed 31696992 (cited by Labcorp Genetics (formerly Invitae), Labcorp).